The following is an entry in ClinVar:

NM_018206.6(VPS35):c.1495C>T (p.Arg499Cys)

Gene: VPS35 (VPS35 retromer complex component; minus strand). Cytogenetic location: 16q11.2.
Variant type: single nucleotide variant.
Coding change: c.1495C>T on transcript NM_018206.6 (MANE Select); coding-DNA position 1495, C replaced by T.
Protein change: p.Arg499Cys; replaces arginine 499 with cysteine.
Molecular consequence: missense variant.
Genome position (GRCh38, 1-based): chr16:46,671,734, G>A on the plus strand (C>T on the coding strand, the complement: VPS35 is on the minus strand). VCF-style: chr16-46671734-G-A. GRCh37 (hg19) VCF-style: chr16-46705646-G-A.
Other names: short protein forms R499C.
Identifiers: ClinVar variation 1369465 (VCV001369465.19), dbSNP rs747325352, ClinGen allele CA8036791.

ClinVar aggregate classification (germline): Conflicting classifications of pathogenicity. Review status: criteria provided, conflicting classifications (1 of 4 stars). 3 submissions from 3 submitters: Uncertain significance (2); Likely benign (1). Last evaluated 2025-10-09.

Conditions:
Parkinson disease 17 (PARK17). Also called: VPS35-Related Parkinson Disease. Identifiers: Orphanet 411602, MedGen C3280133, MONDO:0013625, OMIM 614203.

Allele frequency attached by ClinVar (database versions not stated): ExAC 0.00002; gnomAD exomes 0.00002 and 0.00003; gnomAD 0.00003; TOPMed 0.00003.
gnomAD v4.1: 32 of 1,614,026 alleles (0.002%); highest among the groups gnomAD compares: East Asian, 0.0045%; no homozygotes.

Submissions (3):

Women's Health and Genetics/Laboratory Corporation of America, LabCorp
Classification: Uncertain significance. Last evaluated: 2025-10-09. Review status: criteria provided, single submitter. Criteria: LabCorp Variant Classification Summary - May 2015. Collection method: clinical testing. Allele origin: germline.
Comment: Variant summary: VPS35 c.1495C>T (p.Arg499Cys) results in a non-conservative amino acid change in the encoded protein sequence. Algorithms developed to predict the effect of missense changes on protein structure and function are either unavailable or do not agree on the potential impact of this missense change. The variant allele was found at a frequency of 3.2e-05 in 251284 control chromosomes. The available data on variant occurrences in the general population are insufficient to allow any conclusion about variant significance. To our knowledge, no occurrence of c.1495C>T in individuals affected with VPS35-related conditions and no experimental evidence demonstrating its impact on protein function have been reported. ClinVar contains an entry for this variant (Variation ID: 1369465). Based on the evidence outlined above, the variant was classified as uncertain significance.

CeGaT Center for Human Genetics Tuebingen
Classification: Likely benign. Last evaluated: 2025-02-01. Review status: criteria provided, single submitter. Criteria: CeGaT Center For Human Genetics Tuebingen Variant Classification Criteria Version 2. Collection method: clinical testing. Allele origin: germline. Affected: yes. Observed: 1 variant allele.
Comment: VPS35: BP4

Labcorp Genetics (formerly Invitae), Labcorp
Classification: Uncertain significance for Parkinson disease 17. Last evaluated: 2021-08-31. Review status: criteria provided, single submitter. Criteria: Invitae Variant Classification Sherloc (09022015). Collection method: clinical testing. Allele origin: germline.
Comment: This sequence change replaces arginine with cysteine at codon 499 of the VPS35 protein (p.Arg499Cys). The arginine residue is moderately conserved and there is a large physicochemical difference between arginine and cysteine. This variant is present in population databases (rs747325352, ExAC 0.01%). This variant has not been reported in the literature in individuals affected with VPS35-related conditions. Algorithms developed to predict the effect of missense changes on protein structure and function (SIFT, PolyPhen-2, Align-GVGD) all suggest that this variant is likely to be disruptive. In summary, the available evidence is currently insufficient to determine the role of this variant in disease. Therefore, it has been classified as a Variant of Uncertain Significance.